The following is an entry in ClinVar:

ClinVar aggregate classification (germline): Uncertain significance (1 of 4 stars; one submission).

gnomAD v4.1: 1 of 1,614,182 alleles (0.000062%); highest among the groups gnomAD compares: East Asian, 0.0022%; no homozygotes.

Submission:

Ambry Genetics
Classification: Uncertain significance. Last evaluated: 2025-11-24. Review status: criteria provided, single submitter. Criteria: Ambry Variant Classification Scheme 2023. Collection method: clinical testing. Allele origin: germline.
Comment: The p.S25A variant (also known as c.73T>G), located in coding exon 1 of the CDK12 gene, results from a T to G substitution at nucleotide position 73. The serine at codon 25 is replaced by alanine, an amino acid with similar properties. This amino acid position is conserved. In addition, this alteration is predicted to be tolerated by in silico analysis. Based on the available evidence, the clinical significance of this variant remains unclear.

NM_016507.4(CDK12):c.73T>G (p.Ser25Ala)

Genes: CDK12 (cyclin dependent kinase 12; plus strand), LOC126862553 (CDK7 strongly-dependent group 2 enhancer GRCh37_chr17:37618166-37619365; plus strand). Cytogenetic location: 17q12.
Variant type: single nucleotide variant.
Coding change: c.73T>G on transcript NM_016507.4 (MANE Select); coding-DNA position 73, T replaced by G.
Protein change: p.Ser25Ala; replaces serine 25 with alanine.
Molecular consequence: missense variant.
Genome position (GRCh38, 1-based): chr17:39,462,144, T>G. VCF-style: chr17-39462144-T-G. GRCh37 (hg19) VCF-style: chr17-37618397-T-G.
Other names: c.73T>G, p.Ser25Ala (NM_015083.4); short protein forms S25A.
Identifiers: ClinVar variation 4651462 (VCV004651462.1).
Genomic context (GRCh38, chr17:39,462,144, plus strand): 5'-GAGAGACATGGGGGCAAGAAGGACGGGAGTGGAGGAGCTTCTGGAACTTTGCAGCCGTCA[T>G]CGGGAGGCGGCAGCTCTAACAGCAGAGAGCGTCACCGCTTGGTATCGAAGCACAAGCGGC-3'
Protein context (NP_057591.2, residues 15-35): GGASGTLQPS[Ser25Ala]GGGSSNSRER